The following is an entry in ClinVar:

ClinVar aggregate classification (germline): Uncertain significance (1 of 4 stars; one submission).

Conditions:
PLXNA3-related disorder. Also called: PLXNA3-related condition.

gnomAD v4.1: 19 of 1,203,504 alleles (0.0016%); highest among the groups gnomAD compares: East Asian, 0.0059%; 1 homozygote.

Submission:

PreventionGenetics, part of Exact Sciences
Classification: Uncertain significance for PLXNA3-related condition. Last evaluated: 2024-10-09. Review status: criteria provided, single submitter. Criteria: ACMG Guidelines, 2015. Collection method: clinical testing. Allele origin: germline.
Comment: The PLXNA3 c.223G>A variant is predicted to result in the amino acid substitution p.Ala75Thr. To our knowledge, this variant has not been reported in the literature. This variant is reported in 0.0027% of alleles in individuals of European (Non-Finnish) descent in gnomAD, including 2 hemizygotes. At this time, the clinical significance of this variant is uncertain due to the absence of conclusive functional and genetic evidence.

NM_017514.5(PLXNA3):c.223G>A (p.Ala75Thr)

Gene: PLXNA3 (plexin A3; plus strand). Cytogenetic location: Xq28.
Variant type: single nucleotide variant.
Coding change: c.223G>A on transcript NM_017514.5 (MANE Select); coding-DNA position 223, G replaced by A.
Protein change: p.Ala75Thr; replaces alanine 75 with threonine.
Molecular consequence: missense variant.
Genome position (GRCh38, 1-based): chrX:154,460,406, G>A. VCF-style: chrX-154460406-G-A. GRCh37 (hg19) VCF-style: chrX-153688746-G-A.
Other names: short protein forms A75T.
Identifiers: ClinVar variation 4981735 (VCV004981735.1).